The following is an entry in ClinVar:

ClinVar aggregate classification (germline): Conflicting classifications of pathogenicity. Review status: criteria provided, conflicting classifications (1 of 4 stars). 2 submissions from 2 submitters: Likely pathogenic, low penetrance (1); Uncertain significance (1). Last evaluated 2025-11-10.

Conditions:
Factor I deficiency (CFID). Also called: Complement factor I deficiency. Identifiers: Orphanet 200418, MedGen C3463916, MONDO:0012594, OMIM 610984.

Allele frequency attached by ClinVar (database versions not stated): gnomAD exomes below 0.00001.

Submissions (2):

Labcorp Genetics (formerly Invitae), Labcorp
Classification: Uncertain significance. Last evaluated: 2025-11-10. Review status: criteria provided, single submitter. Criteria: Invitae Variant Classification Sherloc (09022015). Collection method: clinical testing. Allele origin: germline.
Comment: This sequence change replaces proline, which is neutral and non-polar, with leucine, which is neutral and non-polar, at codon 528 of the CFI protein (p.Pro528Leu). This variant is not present in population databases (gnomAD no frequency). This missense change has been observed in individual(s) with clinical features of complete complement factor I deficiency (PMID: 40713518). ClinVar contains an entry for this variant (Variation ID: 2849215). Invitae Evidence Modeling of protein sequence and biophysical properties (such as structural, functional, and spatial information, amino acid conservation, physicochemical variation, residue mobility, and thermodynamic stability) indicates that this missense variant is expected to disrupt CFI protein function with a positive predictive value of 80%. In summary, the available evidence is currently insufficient to determine the role of this variant in disease. Therefore, it has been classified as a Variant of Uncertain Significance.

Genomenon, Inc
Classification: Likely pathogenic, low penetrance for Factor I deficiency. Last evaluated: 2025-09-26. Review status: criteria provided, single submitter. Criteria: Genomenon Sequence Variant Interpretation Standards - Updated. Collection method: curation. Allele origin: germline. Affected: yes.
Comment: CFI p.Pro528Leu (c.1583C>T) is a missense variant that changes the amino acid at residue 528 from Proline to Leucine. This variant has been observed in at least one proband affected with complement factor I deficiency (PMID:40713518). The presence of pathogenic/likely pathogenic missense variant(s) at the same amino acid position indicates that this residue is likely important for protein function. It is absent or not present at a significant frequency in gnomAD. In silico models agree that this variant is possibly or probably damaging. In summary, we classify CFI p.Pro528Leu (c.1583C>T) as a likely pathogenic, low penetrance variant.

Literature cited by the submitters: PubMed 40713518 (cited by Labcorp Genetics (formerly Invitae), Labcorp and Genomenon, Inc).

NM_000204.5(CFI):c.1583C>T (p.Pro528Leu)

Gene: CFI (complement factor I; minus strand). Cytogenetic location: 4q25.
Variant type: single nucleotide variant.
Coding change: c.1583C>T on transcript NM_000204.5 (MANE Select); coding-DNA position 1583, C replaced by T.
Protein change: p.Pro528Leu; replaces proline 528 with leucine.
Molecular consequence: missense variant. On other transcripts: non-coding transcript variant (3), intron variant (5).
Genome position (GRCh38, 1-based): chr4:109,741,062, G>A on the plus strand (C>T on the coding strand, the complement: CFI is on the minus strand). VCF-style: chr4-109741062-G-A. GRCh37 (hg19) VCF-style: chr4-110662218-G-A.
Other names: c.1607C>T, p.Pro536Leu (NM_001318057.2); c.1562C>T, p.Pro521Leu (NM_001331035.2); c.1526C>T, p.Pro509Leu (NM_001375283.1); c.974C>T, p.Pro325Leu (NM_001375284.1); c.1513+1429C>T (NM_001375282.1, NM_001375280.1); c.1534+1429C>T (NM_001375281.1, NM_001375279.1); c.1558+1429C>T (NM_001375278.1); short protein forms P325L, P509L, P521L, P528L, P536L.
Identifiers: ClinVar variation 2849215 (VCV002849215.4), dbSNP rs1723731778, ClinGen allele CA357854638.